The following is an entry in ClinVar:

ClinVar aggregate classification (germline): Uncertain significance (1 of 4 stars; one submission).

Allele frequency attached by ClinVar (database versions not stated): TOPMed below 0.00001; gnomAD exomes 0.00001.
gnomAD v4.1: 3 of 1,613,590 alleles (0.00019%); highest among the groups gnomAD compares: Admixed American, 0.005%; no homozygotes.

Submission:

Labcorp Genetics (formerly Invitae), Labcorp
Classification: Uncertain significance. Last evaluated: 2022-08-12. Review status: criteria provided, single submitter. Criteria: Invitae Variant Classification Sherloc (09022015). Collection method: clinical testing. Allele origin: germline.
Comment: This sequence change replaces alanine, which is neutral and non-polar, with threonine, which is neutral and polar, at codon 4029 of the HERC1 protein (p.Ala4029Thr). This variant is present in population databases (no rsID available, gnomAD 0.006%). This variant has not been reported in the literature in individuals affected with HERC1-related conditions. Algorithms developed to predict the effect of missense changes on protein structure and function (SIFT, PolyPhen-2, Align-GVGD) all suggest that this variant is likely to be disruptive. In summary, the available evidence is currently insufficient to determine the role of this variant in disease. Therefore, it has been classified as a Variant of Uncertain Significance.

NM_003922.4(HERC1):c.12085G>A (p.Ala4029Thr)

Gene: HERC1 (HECT and RLD domain containing E3 ubiquitin protein ligase family member 1; minus strand). Cytogenetic location: 15q22.31.
Variant type: single nucleotide variant.
Coding change: c.12085G>A on transcript NM_003922.4 (MANE Select); coding-DNA position 12085, G replaced by A.
Protein change: p.Ala4029Thr; replaces alanine 4029 with threonine.
Molecular consequence: missense variant.
Genome position (GRCh38, 1-based): chr15:63,638,419, C>T on the plus strand (G>A on the coding strand, the complement: HERC1 is on the minus strand). VCF-style: chr15-63638419-C-T. GRCh37 (hg19) VCF-style: chr15-63930618-C-T.
Other names: short protein forms A4029T.
Identifiers: ClinVar variation 1900147 (VCV001900147.2), dbSNP rs1363975028, ClinGen allele CA392742516.